The following is an entry in ClinVar:

ClinVar aggregate classification (germline): Uncertain significance (1 of 4 stars; one submission).

Conditions:
Inborn genetic diseases. Identifiers: MedGen C0950123, MeSH D030342.

Submission:

Ambry Genetics
Classification: Uncertain significance for Inborn genetic diseases. Last evaluated: 2022-11-04. Review status: criteria provided, single submitter. Criteria: Ambry Variant Classification Scheme 2023. Collection method: clinical testing. Allele origin: germline.
Comment: The p.K299R variant (also known as c.896A>G), located in coding exon 8 of the EPAS1 gene, results from an A to G substitution at nucleotide position 896. The lysine at codon 299 is replaced by arginine, an amino acid with highly similar properties. This amino acid position is conserved. In addition, this alteration is predicted to be tolerated by in silico analysis. Since supporting evidence is limited at this time, the clinical significance of this alteration remains unclear.

NM_001430.5(EPAS1):c.896A>G (p.Lys299Arg)

Gene: EPAS1 (endothelial PAS domain protein 1; plus strand). Cytogenetic location: 2p21.
Variant type: single nucleotide variant.
Coding change: c.896A>G on transcript NM_001430.5 (MANE Select); coding-DNA position 896, A replaced by G.
Protein change: p.Lys299Arg; replaces lysine 299 with arginine.
Molecular consequence: missense variant.
Genome position (GRCh38, 1-based): chr2:46,375,699, A>G. VCF-style: chr2-46375699-A-G. GRCh37 (hg19) VCF-style: chr2-46602838-A-G.
Other names: short protein forms K299R.
Identifiers: ClinVar variation 2450286 (VCV002450286.2), dbSNP rs2546470152, ClinGen allele CA346702599.